The following is an entry in ClinVar:

NM_000170.3(GLDC):c.502G>A (p.Val168Met)

Gene: GLDC (glycine decarboxylase; minus strand). Cytogenetic location: 9p24.1.
Variant type: single nucleotide variant.
Coding change: c.502G>A on transcript NM_000170.3 (MANE Select); coding-DNA position 502, G replaced by A.
Protein change: p.Val168Met; replaces valine 168 with methionine.
Molecular consequence: missense variant.
Genome position (GRCh38, 1-based): chr9:6,610,325, C>T on the plus strand (G>A on the coding strand, the complement: GLDC is on the minus strand). VCF-style: chr9-6610325-C-T. GRCh37 (hg19) VCF-style: chr9-6610325-C-T.
Other names: short protein forms V168M.
Identifiers: ClinVar variation 1302163 (VCV001302163.2), dbSNP rs936791052, ClinGen allele CA188692871.

ClinVar aggregate classification (germline): Uncertain significance (1 of 4 stars; one submission).

Allele frequency attached by ClinVar (database versions not stated): gnomAD 0.00001; gnomAD exomes 0.00001; TOPMed 0.00001.
gnomAD v4.1: 14 of 1,613,332 alleles (0.00087%); highest among the groups gnomAD compares: Non-Finnish European, 0.00093%; no homozygotes.

Submission:

GeneDx
Classification: Uncertain significance. Last evaluated: 2019-06-03. Review status: criteria provided, single submitter. Criteria: GeneDx Variant Classification Process June 2021. Collection method: clinical testing. Allele origin: germline. Affected: yes.
Comment: Not observed at a significant frequency in large population cohorts (Lek et al., 2016); In silico analysis, which includes protein predictors and evolutionary conservation, supports that this variant does not alter protein structure/function; Has not been previously published as pathogenic or benign to our knowledge